The following is an entry in ClinVar:

ClinVar aggregate classification (germline): Likely pathogenic (1 of 4 stars; one submission).

Conditions:
Neurodevelopmental disorder with hypotonia and variable intellectual and behavioral abnormalities. Identifiers: MedGen C5231423, MONDO:0032829, OMIM 618603.

Submission:

Variantyx, Inc.
Classification: Likely pathogenic for Neurodevelopmental disorder with hypotonia and variable intellectual and behavioral abnormalities. Last evaluated: 2025-11-07. Review status: criteria provided, single submitter. Criteria: Variantyx Assertion Criteria 2022. Collection method: clinical testing. Allele origin: germline. Inheritance: Autosomal dominant inheritance. Affected: yes.
Comment: This is a frameshift variant in the POLR2A gene (OMIM: 180660). Pathogenic variants in this gene have been associated with autosomal dominant neurodevelopmental disorder with hypotonia and variable intellectual and behavioral abnormalities. This variant introduces a premature termination codon in exon 14 out of 30and is expected to result in loss of function, which is a known disease mechanism for POLR2A in this disorder (PMID: 31353023, 33665635) (PVS1). This variant is absent from control populations (PM2). Based on the current evidence, this variant is classified as likely pathogenic for autosomal dominant neurodevelopmental disorder with hypotonia and variable intellectual and behavioral abnormalities.

Literature cited by the submitters: PubMed 31353023; PubMed 33665635.

NM_000937.5(POLR2A):c.2242dup (p.Ala748fs)

Gene: POLR2A (RNA polymerase II subunit A; plus strand). Cytogenetic location: 17p13.1.
Variant type: Duplication.
Coding change: c.2242dup on transcript NM_000937.5 (MANE Select); coding-DNA position 2242, one base duplicated (G; older notation c.2242dupG).
Protein change: p.Ala748fs; shifts the reading frame from alanine 748.
Molecular consequence: frameshift variant.
Genome position (GRCh38, 1-based): chr17:7,501,622, G duplicated. VCF-style (leftmost placement, unchanged base first): chr17-7501621-T-TG. GRCh37 (hg19) VCF-style: chr17-7404940-T-TG.
Other names: short protein forms A748fs.
Identifiers: ClinVar variation 4850772 (VCV004850772.1).